The following is an entry in ClinVar:

ClinVar aggregate classification (germline): Likely pathogenic (1 of 4 stars; one submission).

Submission:

Dasa
Classification: Likely pathogenic. Last evaluated: 2025-07-08. Review status: criteria provided, single submitter. Criteria: DASA Assertion Criteria. Collection method: clinical testing. Allele origin: germline.
Comment: NM_001999.4(FBN2):c.4150T>C (p.Cys1384Arg) is a missense variant that results in the substitution of cysteine with arginine. The affected residue or protein region has prior evidence supporting clinical relevance. This variant has been reported in individuals with FBN2-related disorders (PMID: 31316167). Also, this variant is absent from population databases. Computational evidence supports a deleterious effect. Based on the currently available evidence, this variant is classified as likely pathogenic.

Literature cited by the submitters: PubMed 31316167; PubMed 18767143.

NM_001999.4(FBN2):c.4150T>C (p.Cys1384Arg)

Gene: FBN2 (fibrillin 2; minus strand). Cytogenetic location: 5q23.3.
Variant type: single nucleotide variant.
Coding change: c.4150T>C on transcript NM_001999.4 (MANE Select); coding-DNA position 4150, T replaced by C.
Protein change: p.Cys1384Arg; replaces cysteine 1384 with arginine.
Molecular consequence: missense variant.
Genome position (GRCh38, 1-based): chr5:128,332,984, A>G on the plus strand (T>C on the coding strand, the complement: FBN2 is on the minus strand). VCF-style: chr5-128332984-A-G. GRCh37 (hg19) VCF-style: chr5-127668676-A-G.
Other names: short protein forms C1384R.
Identifiers: ClinVar variation 4880818 (VCV004880818.2).